The following is an entry in ClinVar:

ClinVar aggregate classification (germline): Likely pathogenic (1 of 4 stars; one submission).

Conditions:
Bartter disease type 3. Also called: Bartter syndrome type 3. Identifiers: Orphanet 112, Orphanet 93605, MedGen C1846343, MONDO:0011822, OMIM 607364.

Submission:

Juno Genomics, Hangzhou Juno Genomics, Inc
Classification: Likely pathogenic for Bartter disease type 3. Review status: criteria provided, single submitter. Criteria: ACMG Guidelines, 2015. Collection method: clinical testing. Allele origin: germline. Affected: yes.
Comment: Absent from controls (or at extremely low frequency if recessive) in Genome Aggregation Database, Exome Sequencing Project, 1000 Genomes Project, or Exome Aggregation Consortium.;Co-segregation with disease in multiple affected family members in a gene definitively known to cause the disease.;Well-established in vitro or in vivo functional studies supportive of a damaging effect on the gene or gene product.;For recessive disorders, detected in trans with a pathogenic variant.;Patient's phenotype or family history is highly specific for a disease with a single genetic etiology.

NM_000085.5(CLCNKB):c.1755A>G (p.Thr585=)

Genes: CLCNKB (chloride voltage-gated channel Kb; plus strand), LOC106501713 (CLCNKB recombination region; plus strand). Cytogenetic location: 1p36.13.
Variant type: single nucleotide variant.
Coding change: c.1755A>G on transcript NM_000085.5 (MANE Select); coding-DNA position 1755, A replaced by G.
Protein change: p.Thr585=; no amino-acid change (threonine 585 retained).
Molecular consequence: synonymous variant.
Genome position (GRCh38, 1-based): chr1:16,053,771, A>G. VCF-style: chr1-16053771-A-G. GRCh37 (hg19) VCF-style: chr1-16380266-A-G.
Other names: c.1248A>G, p.Thr416= (NM_001165945.2).
Identifiers: ClinVar variation 3381989 (VCV003381989.2).
Genomic context (GRCh38, chr1:16,053,771, plus strand): 5'-GGAGGTGGTCAAGGTTGTGACCTCCACAGACGTGGCCAAGTATCCCCTGGTGGAGAGCAC[A>G]GGTGCCCAGCCGGAAGGGAGGAGGAAGTCGGGGGTAGGGGATGCCCTCTGCCTCCTTCTT-3'
Protein context (NP_000076.2, residues 575-595): DVAKYPLVES[Thr585=]ESQILVGIVR